The following is an entry in ClinVar:

NM_001322934.2(NFKB2):c.1708G>A (p.Ala570Thr)

Gene: NFKB2 (nuclear factor kappa B subunit 2; plus strand). Cytogenetic location: 10q24.32.
Variant type: single nucleotide variant.
Coding change: c.1708G>A on transcript NM_001322934.2 (MANE Select); coding-DNA position 1708, G replaced by A.
Protein change: p.Ala570Thr; replaces alanine 570 with threonine.
Molecular consequence: missense variant.
Genome position (GRCh38, 1-based): chr10:102,400,401, G>A. VCF-style: chr10-102400401-G-A. GRCh37 (hg19) VCF-style: chr10-104160158-G-A.
Other names: c.1708G>A, p.Ala570Thr (NM_001077494.3, NM_001261403.3, NM_001288724.1 and 1 more transcripts); c.1582G>A, p.Ala528Thr (NM_001322935.1); short protein forms A528T, A570T.
Identifiers: ClinVar variation 3673984 (VCV003673984.2).

ClinVar aggregate classification (germline): Uncertain significance (1 of 4 stars; one submission).

Conditions:
Immunodeficiency, common variable, 10. Also called: DEFICIT IN ANTERIOR PITUITARY FUNCTION AND VARIABLE IMMUNODEFICIENCY; IMMUNODEFICIENCY, COMMON VARIABLE, WITH CENTRAL ADRENAL INSUFFICIENCY. Identifiers: MedGen C3809991, MONDO:0014260, OMIM 615577.

gnomAD v4.1: 11 of 1,613,106 alleles (0.00068%); highest among the groups gnomAD compares: East Asian, 0.02%; no homozygotes.

Submission:

Labcorp Genetics (formerly Invitae), Labcorp
Classification: Uncertain significance for Immunodeficiency, common variable, 10. Last evaluated: 2025-09-21. Review status: criteria provided, single submitter. Criteria: Invitae Variant Classification Sherloc (09022015). Collection method: clinical testing. Allele origin: germline.
Comment: This sequence change replaces alanine, which is neutral and non-polar, with threonine, which is neutral and polar, at codon 570 of the NFKB2 protein (p.Ala570Thr). This variant is present in population databases (rs745514664, gnomAD 0.02%). This variant has not been reported in the literature in individuals affected with NFKB2-related conditions. ClinVar contains an entry for this variant (Variation ID: 3673984). An algorithm developed to predict the effect of missense changes on protein structure and function outputs the following: PolyPhen-2: "Benign". The threonine amino acid residue is found in multiple mammalian species, which suggests that this missense change does not adversely affect protein function. In summary, the available evidence is currently insufficient to determine the role of this variant in disease. Therefore, it has been classified as a Variant of Uncertain Significance.